The following is an entry in ClinVar:

ClinVar aggregate classification (germline): Pathogenic (1 of 4 stars; one submission).

Conditions:
Familial focal epilepsy with variable foci (FPEVF). Identifiers: Orphanet 98820, MedGen C1858477, MONDO:0020310.

Submission:

Labcorp Genetics (formerly Invitae), Labcorp
Classification: Pathogenic for Familial focal epilepsy with variable foci. Last evaluated: 2019-10-28. Review status: criteria provided, single submitter. Criteria: Invitae Variant Classification Sherloc (09022015). Collection method: clinical testing. Allele origin: germline.
Comment: For these reasons, this variant has been classified as Pathogenic. Loss-of-function variants in DEPDC5 are known to be pathogenic (PMID: 23542697, 23542701). This variant has not been reported in the literature in individuals with DEPDC5-related conditions. This variant is not present in population databases (ExAC no frequency). This sequence change creates a premature translational stop signal (p.Phe278Hisfs*20) in the DEPDC5 gene. It is expected to result in an absent or disrupted protein product.

Literature cited by the submitters: PubMed 23542697; PubMed 23542701.

NM_001242896.3(DEPDC5):c.832_833del (p.Phe278fs)

Gene: DEPDC5 (DEP domain containing 5, GATOR1 subcomplex subunit; plus strand). Cytogenetic location: 22q12.2.
Variant type: Deletion.
Coding change: c.832_833del on transcript NM_001242896.3 (MANE Select); coding-DNA positions 832 to 833, 2 bases deleted (TT; older notation c.832_833delTT).
Protein change: p.Phe278fs; shifts the reading frame from phenylalanine 278.
Molecular consequence: frameshift variant. On other transcripts: non-coding transcript variant (5).
Genome position (GRCh38, 1-based): chr22:31,797,664-31,797,665, TT deleted. VCF-style (leftmost placement, unchanged base first): chr22-31797663-CTT-C. GRCh37 (hg19) VCF-style: chr22-32193649-CTT-C.
Other names: c.832_833del, p.Phe278fs (NM_001007188.4, NM_001136029.4, NM_001242897.2 and 7 more transcripts); c.748_749del, p.Phe250fs (NM_001369901.1, NM_001369902.1); short protein forms F250fs, F278fs.
Identifiers: ClinVar variation 964326 (VCV000964326.7), dbSNP rs2086398901, ClinGen allele CA1139667070.